The following is an entry in ClinVar:

ClinVar aggregate classification (germline): Likely benign. Review status: criteria provided, single submitter (1 of 4 stars). 2 submissions from 2 submitters: Likely benign (1). 1 of the submissions does not count toward it. Last evaluated 2025-06-12.

Conditions:
LAMA5-related disorder. Also called: LAMA5-related condition; LAMA5-Related Disorders.

Allele frequency attached by ClinVar (database versions not stated): ESP Exome Variant Server 0.00015; 1000 Genomes Project 30x 0.00016; ExAC 0.00016; gnomAD 0.00019; 1000 Genomes Project 0.00020; gnomAD exomes 0.00022; TOPMed 0.00023.
gnomAD v4.1: 586 of 1,612,822 alleles (0.036%); highest among the groups gnomAD compares: Non-Finnish European, 0.046%; 1 homozygote.

Submissions (2):

Labcorp Genetics (formerly Invitae), Labcorp
Classification: Likely benign. Last evaluated: 2025-06-12. Review status: criteria provided, single submitter. Criteria: Invitae Variant Classification Sherloc (09022015). Collection method: clinical testing. Allele origin: germline.

PreventionGenetics, part of Exact Sciences
Classification: Likely benign for LAMA5-related condition. Last evaluated: 2021-04-29. Review status: no assertion criteria provided. Collection method: clinical testing. Allele origin: germline. Not counted in ClinVar's aggregate classification.
Comment: This variant is classified as likely benign based on ACMG/AMP sequence variant interpretation guidelines (Richards et al. 2015 PMID: 25741868, with internal and published modifications).

NM_005560.6(LAMA5):c.8622C>T (p.Phe2874=)

Gene: LAMA5 (laminin subunit alpha 5; minus strand). Cytogenetic location: 20q13.33.
Variant type: single nucleotide variant.
Coding change: c.8622C>T on transcript NM_005560.6 (MANE Select); coding-DNA position 8622, C replaced by T.
Protein change: p.Phe2874=; no amino-acid change (phenylalanine 2874 retained).
Molecular consequence: synonymous variant.
Genome position (GRCh38, 1-based): chr20:62,313,685, G>A on the plus strand (C>T on the coding strand, the complement: LAMA5 is on the minus strand). VCF-style: chr20-62313685-G-A. GRCh37 (hg19) VCF-style: chr20-60888741-G-A.
Identifiers: ClinVar variation 708009 (VCV000708009.8), dbSNP rs141347564, ClinGen allele CA9940630.